The following is an entry in ClinVar:

ClinVar aggregate classification (germline): Uncertain significance (1 of 4 stars; one submission).

Conditions:
Candidiasis, familial, 9 (CANDF9). Identifiers: Orphanet 1334, MedGen C4225324, MONDO:0014642, OMIM 616445.

Submission:

Labcorp Genetics (formerly Invitae), Labcorp
Classification: Uncertain significance for Candidiasis, familial, 9. Last evaluated: 2018-12-15. Review status: criteria provided, single submitter. Criteria: Invitae Variant Classification Sherloc (09022015). Collection method: clinical testing. Allele origin: germline.
Comment: This sequence change affects codon 775 of the IL17RC mRNA. It is a 'silent' change, meaning that it does not change the encoded amino acid sequence of the IL17RC protein. This variant is not present in population databases (ExAC no frequency). This variant has not been reported in the literature in individuals with IL17RC-related conditions. Algorithms developed to predict the effect of sequence changes on RNA splicing suggest that this variant may create or strengthen a splice site, but this prediction has not been confirmed by published transcriptional studies. In summary, the available evidence is currently insufficient to determine the role of this variant in disease. Therefore, it has been classified as a Variant of Uncertain Significance.

NM_153460.4(IL17RC):c.2112G>A (p.Pro704=)

Genes: IL17RC (interleukin 17 receptor C; plus strand), LOC129936144 (ATAC-STARR-seq lymphoblastoid silent region 14051; plus strand). Cytogenetic location: 3p25.3.
Variant type: single nucleotide variant.
Coding change: c.2112G>A on transcript NM_153460.4 (MANE Select); coding-DNA position 2112, G replaced by A.
Protein change: p.Pro704=; no amino-acid change (proline 704 retained).
Molecular consequence: synonymous variant. On other transcripts: non-coding transcript variant (1).
Genome position (GRCh38, 1-based): chr3:9,933,542, G>A. VCF-style: chr3-9933542-G-A. GRCh37 (hg19) VCF-style: chr3-9975226-G-A.
Other names: c.2073G>A, p.Pro691= (NM_001203263.2); c.2022G>A, p.Pro674= (NM_001203264.2); c.2016G>A, p.Pro672= (NM_001203265.2); c.2034G>A, p.Pro678= (NM_001367278.1); c.1953G>A, p.Pro651= (NM_001367279.1); c.2028G>A, p.Pro676= (NM_001367280.1); c.2067G>A, p.Pro689= (NM_032732.6); c.2325G>A, p.Pro775= (NM_153461.4).
Identifiers: ClinVar variation 643842 (VCV000643842.1), dbSNP rs749233546, ClinGen allele CA432533335.
Genomic context (GRCh38, chr3:9,933,542, plus strand): 5'-GTCCCGGGCCCTTCAGCCAGCCCTGGATAGCTACTTCCATCCCCCGGGGACTCCCGCGCC[G>A]GGACGCGGGGTGGGACCAGGCGCGGGACCTGGGGCGGGGGACGGGACTTAAATAAAGGCA-3'
Protein context (NP_703190.2, residues 694-714): SYFHPPGTPA[Pro704=]GRGVGPGAGP